The following is an entry in ClinVar:

NM_017755.6(NSUN2):c.896A>C (p.Gln299Pro)

Gene: NSUN2 (NOP2/Sun RNA methyltransferase 2; minus strand). Cytogenetic location: 5p15.31.
Variant type: single nucleotide variant.
Coding change: c.896A>C on transcript NM_017755.6 (MANE Select); coding-DNA position 896, A replaced by C.
Protein change: p.Gln299Pro; replaces glutamine 299 with proline.
Molecular consequence: missense variant. On other transcripts: non-coding transcript variant (1).
Genome position (GRCh38, 1-based): chr5:6,616,852, T>G on the plus strand (A>C on the coding strand, the complement: NSUN2 is on the minus strand). VCF-style: chr5-6616852-T-G. GRCh37 (hg19) VCF-style: chr5-6616965-T-G.
Other names: c.791A>C, p.Gln264Pro (NM_001193455.2); short protein forms Q264P, Q299P.
Identifiers: ClinVar variation 4056689 (VCV004056689.1).

ClinVar aggregate classification (germline): Uncertain significance (1 of 4 stars; one submission).

Conditions:
Intellectual developmental disorder, autosomal recessive 5. Also called: Intellectual disability, autosomal recessive 5. Identifiers: Orphanet 88616, MedGen C1970199, MONDO:0012613, OMIM 611091.

Submission:

Laboratorio de Genetica e Diagnostico Molecular, Hospital Israelita Albert Einstein
Classification: Uncertain significance for Intellectual developmental disorder, autosomal recessive 5. Last evaluated: 2024-10-28. Review status: criteria provided, single submitter. Criteria: ACMG Guidelines, 2015. Collection method: clinical testing. Allele origin: germline. Affected: yes.
Comment: ACMG classification criteria: PM2 supporting